The following is an entry in ClinVar:

ClinVar aggregate classification (germline): Uncertain significance. Review status: criteria provided, multiple submitters, no conflicts (2 of 4 stars). 3 submissions from 3 submitters: Uncertain significance (3). Last evaluated 2026-08-06.

Conditions:
Nephronophthisis. Also called: Juvenile Nephronophthisis. Identifiers: Orphanet 655, MedGen C0687120, MONDO:0019005, HP:0000090.
Jeune thoracic dystrophy. Also called: Short-rib thoracic dysplasia; Jeune syndrome; Infantile thoracic dystrophy; Thoracic pelvic phalangeal dystrophy; Jeune's syndrome; Chondroectodermal dysplasia-like syndrome. Identifiers: Orphanet 474, MedGen C0265275, MONDO:0018770.
Inborn genetic diseases. Identifiers: MedGen C0950123, MeSH D030342.
TTC21B-related disorder. Also called: TTC21B-related condition; TTC21B-related disorders.

Allele frequency attached by ClinVar (database versions not stated): gnomAD exomes 0.00001 and 0.00003; ExAC 0.00002; TOPMed 0.00003; gnomAD 0.00004.
gnomAD v4.1: 42 of 1,613,458 alleles (0.0026%); highest among the groups gnomAD compares: Middle Eastern, 0.049%; no homozygotes.

Submissions (3):

PreventionGenetics, part of Exact Sciences
Classification: Uncertain significance for TTC21B-related condition. Last evaluated: 2026-08-06. Review status: criteria provided, single submitter. Criteria: ACMG Guidelines, 2015. Collection method: clinical testing. Allele origin: germline.
Comment: The TTC21B c.367C>T variant is predicted to result in the amino acid substitution p.Arg123Cys. To our knowledge, this variant has not been reported in the literature. This variant is reported in 0.0062% of alleles in individuals of African descent in gnomAD. At this time, the clinical significance of this variant is uncertain due to the absence of conclusive functional and genetic evidence.

Ambry Genetics
Classification: Uncertain significance for Inborn genetic diseases. Last evaluated: 2025-12-11. Review status: criteria provided, single submitter. Criteria: Ambry Variant Classification Scheme 2023. Collection method: clinical testing. Allele origin: germline.

Labcorp Genetics (formerly Invitae), Labcorp
Classification: Uncertain significance for Jeune thoracic dystrophy; Nephronophthisis. Last evaluated: 2025-09-02. Review status: criteria provided, single submitter. Criteria: Invitae Variant Classification Sherloc (09022015). Collection method: clinical testing. Allele origin: germline.
Comment: This sequence change replaces arginine, which is basic and polar, with cysteine, which is neutral and slightly polar, at codon 123 of the TTC21B protein (p.Arg123Cys). This variant is present in population databases (rs775370323, gnomAD 0.007%). This variant has not been reported in the literature in individuals affected with TTC21B-related conditions. ClinVar contains an entry for this variant (Variation ID: 1483688). Invitae Evidence Modeling of protein sequence and biophysical properties (such as structural, functional, and spatial information, amino acid conservation, physicochemical variation, residue mobility, and thermodynamic stability) indicates that this missense variant is not expected to disrupt TTC21B protein function with a negative predictive value of 80%. In summary, the available evidence is currently insufficient to determine the role of this variant in disease. Therefore, it has been classified as a Variant of Uncertain Significance.

NM_024753.5(TTC21B):c.367C>T (p.Arg123Cys)

Genes: TTC21B (tetratricopeptide repeat domain 21B; minus strand), TTC21B-AS1 (TTC21B antisense RNA 1; plus strand). Cytogenetic location: 2q24.3.
Variant type: single nucleotide variant.
Coding change: c.367C>T on transcript NM_024753.5 (MANE Select); coding-DNA position 367, C replaced by T.
Protein change: p.Arg123Cys; replaces arginine 123 with cysteine.
Molecular consequence: missense variant.
Genome position (GRCh38, 1-based): chr2:165,945,586, G>A on the plus strand (C>T on the coding strand, the complement: TTC21B is on the minus strand). VCF-style: chr2-165945586-G-A. GRCh37 (hg19) VCF-style: chr2-166802096-G-A.
Other names: c.367C>T (NM_024753.4, NM_024753.3); short protein forms R123C.
Identifiers: ClinVar variation 1483688 (VCV001483688.6), dbSNP rs775370323, ClinGen allele CA1942465.